The following is an entry in ClinVar:

ClinVar aggregate classification (germline): Uncertain significance (1 of 4 stars; one submission).

Allele frequency attached by ClinVar (database versions not stated): gnomAD exomes below 0.00001.
gnomAD v4.1: 1 of 1,614,148 alleles (0.000062%); highest among the groups gnomAD compares: Admixed American, 0.0017%; no homozygotes.

Submission:

Labcorp Genetics (formerly Invitae), Labcorp
Classification: Uncertain significance. Last evaluated: 2022-05-03. Review status: criteria provided, single submitter. Criteria: Invitae Variant Classification Sherloc (09022015). Collection method: clinical testing. Allele origin: germline.
Comment: This sequence change replaces glutamic acid, which is acidic and polar, with valine, which is neutral and non-polar, at codon 1065 of the RBP3 protein (p.Glu1065Val). This variant is present in population databases (no rsID available, gnomAD 0.003%). In summary, the available evidence is currently insufficient to determine the role of this variant in disease. Therefore, it has been classified as a Variant of Uncertain Significance. Algorithms developed to predict the effect of missense changes on protein structure and function (SIFT, PolyPhen-2, Align-GVGD) all suggest that this variant is likely to be disruptive. This variant has not been reported in the literature in individuals affected with RBP3-related conditions.

NM_002900.3(RBP3):c.3194A>T (p.Glu1065Val)

Gene: RBP3 (retinol binding protein 3; plus strand). Cytogenetic location: 10q11.22.
Variant type: single nucleotide variant.
Coding change: c.3194A>T on transcript NM_002900.3 (MANE Select); coding-DNA position 3194, A replaced by T.
Protein change: p.Glu1065Val; replaces glutamic acid 1065 with valine.
Molecular consequence: missense variant.
Genome position (GRCh38, 1-based): chr10:47,353,464, A>T. VCF-style: chr10-47353464-A-T. GRCh37 (hg19) VCF-style: chr10-48385898-T-A.
Other names: short protein forms E1065V.
Identifiers: ClinVar variation 2092411 (VCV002092411.3), dbSNP rs1555211794, ClinGen allele CA376676565.